The following is an entry in ClinVar:

NM_001042492.3(NF1):c.2457T>C (p.His819=)

Gene: NF1 (neurofibromin 1; plus strand). Cytogenetic location: 17q11.2.
Variant type: single nucleotide variant.
Coding change: c.2457T>C on transcript NM_001042492.3 (MANE Select); coding-DNA position 2457, T replaced by C.
Protein change: p.His819=; no amino-acid change (histidine 819 retained).
Molecular consequence: synonymous variant.
Genome position (GRCh38, 1-based): chr17:31,229,072, T>C. VCF-style: chr17-31229072-T-C. GRCh37 (hg19) VCF-style: chr17-29556090-T-C.
Other names: c.2457T>C, p.His819= (NM_000267.4).
Identifiers: ClinVar variation 481990 (VCV000481990.13), dbSNP rs976466916, ClinGen allele CA289335955.

ClinVar aggregate classification (germline): Benign/Likely benign. Review status: criteria provided, multiple submitters, no conflicts (2 of 4 stars). 4 submissions from 4 submitters: Benign (1); Likely benign (3). Last evaluated 2026-05-18.

Conditions:
Hereditary cancer-predisposing syndrome. Also called: Hereditary neoplastic syndrome; Neoplastic Syndromes, Hereditary; Hereditary Cancer Syndrome; Tumor predisposition. Identifiers: Orphanet 140162, MedGen C0027672, MeSH D009386, MONDO:0015356.
Cardiovascular phenotype. Identifiers: MedGen CN230736.
Neurofibromatosis, type 1 (NF1). Also called: Peripheral type neurofibromatosis; Neurofibromatosis, type I; VON RECKLINGHAUSEN DISEASE; NEUROFIBROMATOSIS, TYPE I, SOMATIC. Identifiers: Orphanet 636, MedGen C0027831, MONDO:0018975, OMIM 162200. Disease mechanism: loss of function.

Allele frequency attached by ClinVar (database versions not stated): TOPMed below 0.00001.

Submissions (4):

Myriad Genetics, Inc.
Classification: Benign for Neurofibromatosis, type 1. Last evaluated: 2026-05-18. Review status: criteria provided, single submitter. Criteria: Myriad Autosomal Dominant, Autosomal Recessive and X-Linked Classification Criteria (2023). Collection method: clinical testing. Allele origin: unknown.
Comment: This variant is considered benign. This variant is a silent/synonymous amino acid change and it is not expected to impact splicing.

Labcorp Genetics (formerly Invitae), Labcorp
Classification: Likely benign for Neurofibromatosis, type 1. Last evaluated: 2024-05-28. Review status: criteria provided, single submitter. Criteria: Invitae Variant Classification Sherloc (09022015). Collection method: clinical testing. Allele origin: germline.

Genome-Nilou Lab
Classification: Likely benign for Neurofibromatosis, type 1. Last evaluated: 2022-03-15. Review status: criteria provided, single submitter. Criteria: ACMG Guidelines, 2015. Collection method: clinical testing. Allele origin: germline. Affected: no.

Ambry Genetics
Classification: Likely benign for Cardiovascular phenotype; Hereditary cancer-predisposing syndrome. Last evaluated: 2017-05-30. Review status: criteria provided, single submitter. Criteria: Ambry Variant Classification Scheme 2023. Collection method: clinical testing. Allele origin: germline.